The following is an entry in ClinVar:

ClinVar aggregate classification (germline): Benign (1 of 4 stars; one submission).

Conditions:
Succinate-semialdehyde dehydrogenase deficiency (SSADHD). Also called: Succinic Semialdehyde Dehydrogenase Deficiency; 4-HYDROXYBUTYRIC ACIDURIA; GABA METABOLIC DEFECT; SSADH DEFICIENCY. Identifiers: Orphanet 22, MedGen C0268631, MONDO:0010083, OMIM 271980.

Allele frequency attached by ClinVar (database versions not stated): gnomAD 0.00598 and 0.00638; 1000 Genomes Project 0.00659; 1000 Genomes Project 30x 0.00687; TOPMed 0.00706.

Submission:

Illumina Laboratory Services, Illumina
Classification: Benign for Succinate-semialdehyde dehydrogenase deficiency. Last evaluated: 2018-01-13. Review status: criteria provided, single submitter. Criteria: ICSL Variant Classification Criteria 13 December 2019. Collection method: clinical testing. Allele origin: germline.
Comment: This variant was observed in the ICSL laboratory as part of a predisposition screen in an ostensibly healthy population. It had not been previously curated by ICSL or reported in the Human Gene Mutation Database (HGMD: prior to June 1st, 2018), and was therefore a candidate for classification through an automated scoring system. Utilizing variant allele frequency, disease prevalence and penetrance estimates, and inheritance mode, an automated score was calculated to assess if this variant is too frequent to cause the disease. Based on the score and internal cut-off values, a variant classified as benign is not then subjected to further curation. The score for this variant resulted in a classification of benign for this disease.

NM_001080.3(ALDH5A1):c.*1473G>A

Gene: ALDH5A1 (aldehyde dehydrogenase 5 family member A1; plus strand). Cytogenetic location: 6p22.3.
Variant type: single nucleotide variant.
Coding change: c.*1473G>A on transcript NM_001080.3 (MANE Select); 1473 bases downstream of the stop codon, G replaced by A.
Molecular consequence: 3 prime UTR variant.
Genome position (GRCh38, 1-based): chr6:24,535,185, G>A. VCF-style: chr6-24535185-G-A. GRCh37 (hg19) VCF-style: chr6-24535413-G-A.
Other names: c.*1473G>A (NM_001368954.1, NM_170740.1).
Identifiers: ClinVar variation 905049 (VCV000905049.4), dbSNP rs75854500, ClinGen allele CA136115132.